The following is an entry in ClinVar:

NM_014225.6(PPP2R1A):c.631A>C (p.Asn211His)

Gene: PPP2R1A (protein phosphatase 2 scaffold subunit Aalpha; plus strand). Cytogenetic location: 19q13.41.
Variant type: single nucleotide variant.
Coding change: c.631A>C on transcript NM_014225.6 (MANE Select); coding-DNA position 631, A replaced by C.
Protein change: p.Asn211His; replaces asparagine 211 with histidine.
Molecular consequence: missense variant. On other transcripts: non-coding transcript variant (1).
Genome position (GRCh38, 1-based): chr19:52,212,813, A>C. VCF-style: chr19-52212813-A-C. GRCh37 (hg19) VCF-style: chr19-52716066-A-C.
Other names: c.94A>C, p.Asn32His (NM_001363656.2); short protein forms N32H, N211H.
Identifiers: ClinVar variation 4741172 (VCV004741172.1).
Genomic context (GRCh38, chr19:52,212,813, plus strand): 5'-GAGTTTGCCAAGGTGCTGGAGCTGGACAACGTCAAGAGTGAGATCATCCCCATGTTCTCC[A>C]ACCTGGCCTCTGACGAGCAGGTGAGTTTTGCTTCCTGGCCCTCTGCTCTCCCGTCCTTCT-3'
Protein context (NP_055040.2, residues 201-221): VKSEIIPMFS[Asn211His]LASDEQDSVR

ClinVar aggregate classification (germline): Uncertain significance (1 of 4 stars; one submission).

gnomAD v4.1: 2 of 1,606,916 alleles (0.00012%); highest among the groups gnomAD compares: Non-Finnish European, 0.00017%; no homozygotes.

Submission:

Labcorp Genetics (formerly Invitae), Labcorp
Classification: Uncertain significance. Last evaluated: 2025-10-01. Review status: criteria provided, single submitter. Criteria: Invitae Variant Classification Sherloc (09022015). Collection method: clinical testing. Allele origin: germline.
Comment: This sequence change replaces asparagine, which is neutral and polar, with histidine, which is basic and polar, at codon 211 of the PPP2R1A protein (p.Asn211His). This variant is not present in population databases (gnomAD no frequency). This variant has not been reported in the literature in individuals affected with PPP2R1A-related conditions. Invitae Evidence Modeling of protein sequence and biophysical properties (such as structural, functional, and spatial information, amino acid conservation, physicochemical variation, residue mobility, and thermodynamic stability) indicates that this missense variant is not expected to disrupt PPP2R1A protein function with a negative predictive value of 80%. In summary, the available evidence is currently insufficient to determine the role of this variant in disease. Therefore, it has been classified as a Variant of Uncertain Significance.